The following is an entry in ClinVar:

NM_032447.5(FBN3):c.5512G>A (p.Ala1838Thr)

Gene: FBN3 (fibrillin 3; minus strand). Cytogenetic location: 19p13.2.
Variant type: single nucleotide variant.
Coding change: c.5512G>A on transcript NM_032447.5 (MANE Select); coding-DNA position 5512, G replaced by A.
Protein change: p.Ala1838Thr; replaces alanine 1838 with threonine.
Molecular consequence: missense variant.
Genome position (GRCh38, 1-based): chr19:8,096,471, C>T on the plus strand (G>A on the coding strand, the complement: FBN3 is on the minus strand). VCF-style: chr19-8096471-C-T. GRCh37 (hg19) VCF-style: chr19-8161355-C-T.
Other names: c.5512G>A, p.Ala1838Thr (NM_001321431.2); short protein forms A1838T.
Identifiers: ClinVar variation 2527175 (VCV002527175.5), dbSNP rs2512698128, ClinGen allele CA403728047.

ClinVar aggregate classification (germline): Uncertain significance. Review status: criteria provided, multiple submitters, no conflicts (2 of 4 stars). 2 submissions from 2 submitters: Uncertain significance (2). Last evaluated 2023-03-20.

Allele frequency attached by ClinVar (database versions not stated): gnomAD exomes below 0.00001.
gnomAD v4.1: 6 of 1,613,984 alleles (0.00037%); highest among the groups gnomAD compares: Non-Finnish European, 0.00051%; no homozygotes.

Submissions (2):

Ambry Genetics
Classification: Uncertain significance. Last evaluated: 2023-03-20. Review status: criteria provided, single submitter. Criteria: Ambry Variant Classification Scheme 2023. Collection method: clinical testing. Allele origin: germline.

Labcorp Genetics (formerly Invitae), Labcorp
Classification: Uncertain significance. Last evaluated: 2022-10-21. Review status: criteria provided, single submitter. Criteria: Invitae Variant Classification Sherloc (09022015). Collection method: clinical testing. Allele origin: germline.
Comment: In summary, the available evidence is currently insufficient to determine the role of this variant in disease. Therefore, it has been classified as a Variant of Uncertain Significance. Advanced modeling of protein sequence and biophysical properties (such as structural, functional, and spatial information, amino acid conservation, physicochemical variation, residue mobility, and thermodynamic stability) performed at Invitae indicates that this missense variant is not expected to disrupt FBN3 protein function. This variant has not been reported in the literature in individuals affected with FBN3-related conditions. This variant is not present in population databases (gnomAD no frequency). This sequence change replaces alanine, which is neutral and non-polar, with threonine, which is neutral and polar, at codon 1838 of the FBN3 protein (p.Ala1838Thr).